The following is an entry in ClinVar:

ClinVar aggregate classification (germline): Uncertain significance (1 of 4 stars; one submission).

Conditions:
Hereditary cancer-predisposing syndrome. Also called: Neoplastic Syndromes, Hereditary; Tumor predisposition; Hereditary Cancer Syndrome; Hereditary neoplastic syndrome. Identifiers: Orphanet 140162, MedGen C0027672, MeSH D009386, MONDO:0015356.
Cardiovascular phenotype. Identifiers: MedGen CN230736.

Submission:

Ambry Genetics
Classification: Uncertain significance for Cardiovascular phenotype; Hereditary cancer-predisposing syndrome. Last evaluated: 2021-11-16. Review status: criteria provided, single submitter. Criteria: Ambry Variant Classification Scheme 2023. Collection method: clinical testing. Allele origin: germline.
Comment: The p.N1278D variant (also known as c.3832A>G), located in coding exon 28 of the NF1 gene, results from an A to G substitution at nucleotide position 3832. The asparagine at codon 1278 is replaced by aspartic acid, an amino acid with highly similar properties. This amino acid position is highly conserved in available vertebrate species. In addition, the in silico prediction for this alteration is inconclusive. Since supporting evidence is limited at this time, the clinical significance of this alteration remains unclear.

NM_001042492.3(NF1):c.3832A>G (p.Asn1278Asp)

Gene: NF1 (neurofibromin 1; plus strand). Cytogenetic location: 17q11.2.
Variant type: single nucleotide variant.
Coding change: c.3832A>G on transcript NM_001042492.3 (MANE Select); coding-DNA position 3832, A replaced by G.
Protein change: p.Asn1278Asp; replaces asparagine 1278 with aspartic acid.
Molecular consequence: missense variant.
Genome position (GRCh38, 1-based): chr17:31,235,734, A>G. VCF-style: chr17-31235734-A-G. GRCh37 (hg19) VCF-style: chr17-29562752-A-G.
Other names: c.3832A>G, p.Asn1278Asp (NM_000267.4); short protein forms N1278D.
Identifiers: ClinVar variation 1735360 (VCV001735360.2), dbSNP rs1306874240, ClinGen allele CA398992775.
Genomic context (GRCh38, chr17:31,235,734, plus strand): 5'-TGGAACATGTTTTCTAAAGAAGTAGAATTGGCAGACTCCATGCAGACTCTCTTCCGAGGC[A>G]ACAGCTTGGCCAGTAAAATAATGACATTCTGTTTCAAGGTTTGTATCATTCATTTTGTGT-3'
Protein context (NP_001035957.1, residues 1268-1288): ADSMQTLFRG[Asn1278Asp]SLASKIMTFC